The following is an entry in ClinVar:

ClinVar aggregate classification (germline): Uncertain significance (1 of 4 stars; one submission).

Submission:

GeneDx
Classification: Uncertain significance. Last evaluated: 2024-08-17. Review status: criteria provided, single submitter. Criteria: GeneDx Variant Classification Process June 2021. Collection method: clinical testing. Allele origin: germline. Affected: yes.
Comment: Not observed at significant frequency in large population cohorts (gnomAD); In silico analysis indicates that this missense variant does not alter protein structure/function; Has not been previously published as pathogenic or benign to our knowledge

NM_003074.4(SMARCC1):c.2471T>C (p.Val824Ala)

Gene: SMARCC1 (SWI/SNF related BAF chromatin remodeling complex subunit C1; minus strand). Cytogenetic location: 3p21.31.
Variant type: single nucleotide variant.
Coding change: c.2471T>C on transcript NM_003074.4 (MANE Select); coding-DNA position 2471, T replaced by C.
Protein change: p.Val824Ala; replaces valine 824 with alanine.
Molecular consequence: missense variant.
Genome position (GRCh38, 1-based): chr3:47,636,042, A>G on the plus strand (T>C on the coding strand, the complement: SMARCC1 is on the minus strand). VCF-style: chr3-47636042-A-G. GRCh37 (hg19) VCF-style: chr3-47677532-A-G.
Other names: short protein forms V824A.
Identifiers: ClinVar variation 3764305 (VCV003764305.1).